The following is an entry in ClinVar:

NM_000051.4(ATM):c.978A>G (p.Ile326Met)

Gene: ATM (ATM serine/threonine kinase; plus strand). Cytogenetic location: 11q22.3.
Variant type: single nucleotide variant.
Coding change: c.978A>G on transcript NM_000051.4 (MANE Select); coding-DNA position 978, A replaced by G.
Protein change: p.Ile326Met; replaces isoleucine 326 with methionine.
Molecular consequence: missense variant.
Genome position (GRCh38, 1-based): chr11:108,247,040, A>G. VCF-style: chr11-108247040-A-G. GRCh37 (hg19) VCF-style: chr11-108117767-A-G.
Other names: c.978A>G, p.Ile326Met (NM_001351834.2); short protein forms I326M.
Identifiers: ClinVar variation 480884 (VCV000480884.40), dbSNP rs1555068424, ClinGen allele CA382531116.

ClinVar aggregate classification (germline): Uncertain significance. Review status: criteria provided, multiple submitters, no conflicts (2 of 4 stars). 6 submissions from 6 submitters: Uncertain significance (5). 1 of the submissions does not count toward it. Last evaluated 2024-06-01.

Conditions:
Hereditary cancer-predisposing syndrome. Also called: Hereditary neoplastic syndrome; Tumor predisposition; Neoplastic Syndromes, Hereditary; Hereditary Cancer Syndrome. Identifiers: Orphanet 140162, MedGen C0027672, MeSH D009386, MONDO:0015356.
Ataxia-telangiectasia syndrome (AT). Also called: ATAXIA-TELANGIECTASIA, COMPLEMENTATION GROUP A; ATAXIA-TELANGIECTASIA, FRESNO VARIANT; Ataxia-telangiectasia; Cerebello-oculocutaneous telangiectasia; Immunodeficiency with ataxia telangiectasia; Ataxia telangiectasia (A-T). Identifiers: Orphanet 100, MedGen C0004135, MONDO:0008840, OMIM 208900.

Allele frequency attached by ClinVar (database versions not stated): gnomAD exomes below 0.00001.
gnomAD v4.1: 1 of 1,613,698 alleles (0.000062%); highest among the groups gnomAD compares: Non-Finnish European, 0.000085%; no homozygotes.

Submissions (6):

CeGaT Center for Human Genetics Tuebingen
Classification: Uncertain significance. Last evaluated: 2024-06-01. Review status: criteria provided, single submitter. Criteria: CeGaT Center For Human Genetics Tuebingen Variant Classification Criteria Version 2. Collection method: clinical testing. Allele origin: germline. Affected: yes. Observed: 1 variant allele.
Comment: ATM: PM2, PS4:Moderate, BP1, BP4

Ambry Genetics
Classification: Uncertain significance for Hereditary cancer-predisposing syndrome. Last evaluated: 2024-05-13. Review status: criteria provided, single submitter. Criteria: Ambry Variant Classification Scheme 2023. Collection method: clinical testing. Allele origin: germline.
Comment: The p.I326M variant (also known as c.978A>G), located in coding exon 7 of the ATM gene, results from an A to G substitution at nucleotide position 978. The isoleucine at codon 326 is replaced by methionine, an amino acid with highly similar properties. This alteration has been reported in at least one subject in a study of 13087 breast cancer cases and 5488 control individuals in the UK (Decker B et al. J Med Genet, 2017 11;54:732-741). This alteration has also been reported in 1/1197 individuals from Greece, Romania, and Turkey undergoing evaluation for inherited cancer predisposition (Tsaousis GN et al. BMC Cancer, 2019 Jun;19:535). Additionally, this alteration was seen in 1/732 breast cancer patients, 1/189 colorectal cancer patients and 1/490 cancer-free elderly controls in a Turkish population (Akcay IM et al. Int J Cancer, 2021 Jan;148:285-295).This amino acid position is well conserved in available vertebrate species. In addition, this alteration is predicted to be tolerated by in silico analysis. Based on the available evidence, the clinical significance of this variant remains unclear.

Labcorp Genetics (formerly Invitae), Labcorp
Classification: Uncertain significance for Ataxia-telangiectasia syndrome. Last evaluated: 2024-04-13. Review status: criteria provided, single submitter. Criteria: Invitae Variant Classification Sherloc (09022015). Collection method: clinical testing. Allele origin: germline.
Comment: This sequence change replaces isoleucine, which is neutral and non-polar, with methionine, which is neutral and non-polar, at codon 326 of the ATM protein (p.Ile326Met). This variant is not present in population databases (gnomAD no frequency). This missense change has been observed in individual(s) with personal or family history of breast and/or ovarian cancer (PMID: 31159747). ClinVar contains an entry for this variant (Variation ID: 480884). An algorithm developed to predict the effect of missense changes on protein structure and function (PolyPhen-2) suggests that this variant is likely to be disruptive. In summary, the available evidence is currently insufficient to determine the role of this variant in disease. Therefore, it has been classified as a Variant of Uncertain Significance.

Color Diagnostics, LLC DBA Color Health
Classification: Uncertain significance for Hereditary cancer-predisposing syndrome. Last evaluated: 2024-02-05. Review status: criteria provided, single submitter. Criteria: ACMG Guidelines, 2015. Collection method: clinical testing. Allele origin: germline.
Comment: This missense variant replaces isoleucine with methionine at codon 326 of the ATM protein. Computational prediction suggests that this variant may not impact protein structure and function. To our knowledge, functional studies have not been reported for this variant. This variant has been observed in five individuals with personal or family history of breast and/or ovarian cancer (PMID: 31159747). This variant has not been identified in the general population by the Genome Aggregation Database (gnomAD). The available evidence is insufficient to determine the role of this variant in disease conclusively. Therefore, this variant is classified as a Variant of Uncertain Significance.

GeneKor MSA
Classification: Uncertain significance for Hereditary cancer-predisposing syndrome. Last evaluated: 2018-08-01. Review status: criteria provided, single submitter. Criteria: ACMG Guidelines, 2015. Collection method: clinical testing. Allele origin: germline. Affected: yes.

Natera, Inc.
Classification: Uncertain significance for Ataxia-telangiectasia. Last evaluated: 2020-09-16. Review status: no assertion criteria provided. Collection method: clinical testing. Allele origin: germline. Not counted in ClinVar's aggregate classification.

Literature cited by the submitters: PubMed 28779002 (cited by Ambry Genetics); PubMed 31159747 (cited by 3 submitters); PubMed 32658311 (cited by Ambry Genetics).